The following is an entry in ClinVar:

NM_017636.4(TRPM4):c.30G>T (p.Trp10Cys)

Gene: TRPM4 (transient receptor potential cation channel subfamily M member 4; plus strand). Cytogenetic location: 19q13.33.
Variant type: single nucleotide variant.
Coding change: c.30G>T on transcript NM_017636.4 (MANE Select); coding-DNA position 30, G replaced by T.
Protein change: p.Trp10Cys; replaces tryptophan 10 with cysteine.
Molecular consequence: missense variant. On other transcripts: 5 prime UTR variant (3).
Genome position (GRCh38, 1-based): chr19:49,158,197, G>T. VCF-style: chr19-49158197-G-T. GRCh37 (hg19) VCF-style: chr19-49661454-G-T.
Other names: c.30G>T, p.Trp10Cys (NM_001195227.2, NM_001321281.2); c.-1343G>T (NM_001321282.2); c.-137G>T (NM_001321283.2); c.-300G>T (NM_001321285.2); short protein forms W10C.
Identifiers: ClinVar variation 2488220 (VCV002488220.3), dbSNP rs893456469, ClinGen allele CA406787850.

ClinVar aggregate classification (germline): Uncertain significance (1 of 4 stars; one submission).

Conditions:
Cardiovascular phenotype. Identifiers: MedGen CN230736.

Allele frequency attached by ClinVar (database versions not stated): gnomAD exomes below 0.00001.
gnomAD v4.1: 1 of 1,613,876 alleles (0.000062%); highest among the groups gnomAD compares: Non-Finnish European, 0.000085%; no homozygotes.

Submission:

Ambry Genetics
Classification: Uncertain significance for Cardiovascular phenotype. Last evaluated: 2025-07-06. Review status: criteria provided, single submitter. Criteria: Ambry Variant Classification Scheme 2023. Collection method: clinical testing. Allele origin: germline.
Comment: The p.W10C variant (also known as c.30G>T), located in coding exon 2 of the TRPM4 gene, results from a G to T substitution at nucleotide position 30. The tryptophan at codon 10 is replaced by cysteine, an amino acid with highly dissimilar properties. This amino acid position is conserved. In addition, the in silico prediction for this alteration is inconclusive. Based on the available evidence, the clinical significance of this variant remains unclear.